The following is an entry in ClinVar:

NM_000059.4(BRCA2):c.7198G>A (p.Gly2400Ser)

Gene: BRCA2 (BRCA2 DNA repair associated; plus strand). Cytogenetic location: 13q13.1.
Variant type: single nucleotide variant.
Coding change: c.7198G>A on transcript NM_000059.4 (MANE Select); coding-DNA position 7198, G replaced by A.
Protein change: p.Gly2400Ser; replaces glycine 2400 with serine.
Molecular consequence: missense variant.
Genome position (GRCh38, 1-based): chr13:32,355,051, G>A. VCF-style: chr13-32355051-G-A. GRCh37 (hg19) VCF-style: chr13-32929188-G-A.
Other names: short protein forms G2400S.
Identifiers: ClinVar variation 481564 (VCV000481564.6), dbSNP rs1244030146, ClinGen allele CA387739832.

ClinVar aggregate classification (germline): Uncertain significance (1 of 4 stars; one submission).

Conditions:
Hereditary cancer-predisposing syndrome. Also called: Neoplastic Syndromes, Hereditary; Tumor predisposition; Hereditary Cancer Syndrome; Hereditary neoplastic syndrome. Identifiers: Orphanet 140162, MedGen C0027672, MeSH D009386, MONDO:0015356.

Allele frequency attached by ClinVar (database versions not stated): TOPMed below 0.00001; gnomAD 0.00001.
gnomAD v4.1: 1 of 1,613,910 alleles (0.000062%); highest among the groups gnomAD compares: Non-Finnish European, 0.000085%; no homozygotes.

Submission:

Ambry Genetics
Classification: Uncertain significance for Hereditary cancer-predisposing syndrome. Last evaluated: 2025-03-02. Review status: criteria provided, single submitter. Criteria: Ambry Variant Classification Scheme 2023. Collection method: clinical testing. Allele origin: germline.
Comment: The p.G2400S variant (also known as c.7198G>A), located in coding exon 13 of the BRCA2 gene, results from a G to A substitution at nucleotide position 7198. The glycine at codon 2400 is replaced by serine, an amino acid with similar properties. This variant was not reported in population based cohorts in the following databases: Database of Single Nucleotide Polymorphisms (dbSNP), NHLBI Exome Sequencing Project (ESP), and 1000 Genomes Project. In the ESP, this variant was not observed in 6503 samples (13006 alleles) with coverage at this position. To date, this alteration has been detected with an allele frequency of approximately 0.0003% (greater than 300000 alleles tested) in our clinical cohort. This amino acid position is not well conserved in available vertebrate species. In addition, this alteration is predicted to be tolerated by in silico analysis. Since supporting evidence is limited at this time, the clinical significance of this alteration remains unclear.